The following is an entry in ClinVar:

ClinVar aggregate classification (germline): Pathogenic/Likely pathogenic. Review status: criteria provided, multiple submitters, no conflicts (2 of 4 stars). 3 submissions from 3 submitters: Pathogenic (2); Likely pathogenic (1). Last evaluated 2024-10-02.

Conditions:
Nephronophthisis. Also called: Juvenile Nephronophthisis. Identifiers: Orphanet 655, MedGen C0687120, MONDO:0019005, HP:0000090.
IQCB1-related disorder. Also called: IQCB1-related condition.
Senior-Loken syndrome 5 (SLSN5). Identifiers: Orphanet 3156, MedGen C1836517, MONDO:0012225, OMIM 609254.

Allele frequency attached by ClinVar (database versions not stated): TOPMed below 0.00001.

Submissions (3):

Labcorp Genetics (formerly Invitae), Labcorp
Classification: Pathogenic for Nephronophthisis. Last evaluated: 2024-10-02. Review status: criteria provided, single submitter. Criteria: Invitae Variant Classification Sherloc (09022015). Collection method: clinical testing. Allele origin: germline.
Comment: This sequence change creates a premature translational stop signal (p.Cys253Alafs*9) in the IQCB1 gene. It is expected to result in an absent or disrupted protein product. Loss-of-function variants in IQCB1 are known to be pathogenic (PMID: 15723066, 21901789, 23559409, 28041643). This variant is not present in population databases (gnomAD no frequency). This premature translational stop signal has been observed in individuals with Senior-Loken syndrome and clinical features of Leber congenital amaurosis (PMID: 23188109, 29219953). ClinVar contains an entry for this variant (Variation ID: 1361531). For these reasons, this variant has been classified as Pathogenic.

Fulgent Genetics
Classification: Pathogenic for Senior-Loken syndrome 5. Last evaluated: 2024-02-06. Review status: criteria provided, single submitter. Criteria: ACMG Guidelines, 2015. Collection method: clinical testing. Allele origin: germline.

PreventionGenetics, part of Exact Sciences
Classification: Likely pathogenic for IQCB1-related condition. Last evaluated: 2022-08-25. Review status: criteria provided, single submitter. Criteria: ACMG Guidelines, 2015. Collection method: clinical testing. Allele origin: germline.
Comment: The IQCB1 c.757delT variant is predicted to result in a frameshift and premature protein termination (p.Cys253Alafs*9). To our knowledge, this variant has not been reported in the literature or in a large population database, indicating this variant is rare. Frameshift variants in IQCB1 are expected to be pathogenic. This variant is interpreted as likely pathogenic.

Literature cited by the submitters: PubMed 15723066 (cited by Labcorp Genetics (formerly Invitae), Labcorp); PubMed 21901789 (cited by Labcorp Genetics (formerly Invitae), Labcorp); PubMed 23559409 (cited by Labcorp Genetics (formerly Invitae), Labcorp); PubMed 28041643 (cited by Labcorp Genetics (formerly Invitae), Labcorp); PubMed 23188109 (cited by Labcorp Genetics (formerly Invitae), Labcorp); PubMed 29219953 (cited by Labcorp Genetics (formerly Invitae), Labcorp).

NM_001023570.4(IQCB1):c.757del (p.Cys253fs)

Gene: IQCB1 (IQ motif containing B1; minus strand). Cytogenetic location: 3q13.33.
Variant type: Deletion.
Coding change: c.757del on transcript NM_001023570.4 (MANE Select); coding-DNA position 757, one base deleted (T; older notation c.757delT).
Protein change: p.Cys253fs; shifts the reading frame from cysteine 253.
Molecular consequence: frameshift variant. On other transcripts: non-coding transcript variant (1), intron variant (1).
Genome position (GRCh38, 1-based): chr3:121,799,205, A deleted on the plus strand (T on the coding strand, the reverse complement: IQCB1 is on the minus strand). VCF-style (leftmost placement, unchanged base first): chr3-121799204-CA-C. GRCh37 (hg19) VCF-style: chr3-121518051-CA-C.
Other names: c.757del, p.Cys253fs (NM_001319107.2); c.587+8139del (NM_001023571.4); c.757delT (NM_001023570.3); short protein forms C253fs.
Identifiers: ClinVar variation 1361531 (VCV001361531.9), dbSNP rs1949313357, ClinGen allele CA1397666040.